The following is an entry in ClinVar:

NM_004369.4(COL6A3):c.972C>T (p.Leu324=)

Gene: COL6A3 (collagen type VI alpha 3 chain; minus strand). Cytogenetic location: 2q37.3.
Variant type: single nucleotide variant.
Coding change: c.972C>T on transcript NM_004369.4 (MANE Select); coding-DNA position 972, C replaced by T.
Protein change: p.Leu324=; no amino-acid change (leucine 324 retained).
Molecular consequence: synonymous variant. On other transcripts: intron variant (2).
Genome position (GRCh38, 1-based): chr2:237,387,922, G>A on the plus strand (C>T on the coding strand, the complement: COL6A3 is on the minus strand). VCF-style: chr2-237387922-G-A. GRCh37 (hg19) VCF-style: chr2-238296565-G-A.
Other names: c.972C>T (NM_004369.3); c.354C>T, p.Leu118= (NM_057165.5, NM_057167.4); c.92-6423C>T (NM_057166.5, NM_057164.5).
Identifiers: ClinVar variation 288117 (VCV000288117.11), dbSNP rs761334907, ClinGen allele CA2189734.

ClinVar aggregate classification (germline): Likely benign. Review status: criteria provided, single submitter (1 of 4 stars). 2 submissions from 2 submitters: Likely benign (1). 1 of the submissions does not count toward it. Last evaluated 2025-10-18.

Conditions:
COL6A3-related disorder. Also called: COL6A3-related disorders; COL6A3-related condition.
Bethlem myopathy 1A. Also called: Bethlem Muscular Dystrophy; MYOPATHY, BENIGN CONGENITAL, WITH CONTRACTURES; Bethlem myopathy 1. Identifiers: Orphanet 610, MedGen CN029274, MONDO:0024530, OMIM 158810.

Allele frequency attached by ClinVar (database versions not stated): ExAC 0.00002; gnomAD exomes 0.00002; TOPMed 0.00002.
gnomAD v4.1: 24 of 1,614,180 alleles (0.0015%); highest among the groups gnomAD compares: Middle Eastern, 0.082%; 1 homozygote.

Submissions (2):

Labcorp Genetics (formerly Invitae), Labcorp
Classification: Likely benign for Bethlem myopathy 1A. Last evaluated: 2025-10-18. Review status: criteria provided, single submitter. Criteria: Invitae Variant Classification Sherloc (09022015). Collection method: clinical testing. Allele origin: germline.

PreventionGenetics, part of Exact Sciences
Classification: Likely benign for COL6A3-related condition. Last evaluated: 2019-09-10. Review status: no assertion criteria provided. Collection method: clinical testing. Allele origin: germline. Not counted in ClinVar's aggregate classification.
Comment: This variant is classified as likely benign based on ACMG/AMP sequence variant interpretation guidelines (Richards et al. 2015 PMID: 25741868, with internal and published modifications).